The following is an entry in ClinVar:

NM_001739.2(CA5A):c.686C>T (p.Thr229Ile)

Gene: CA5A (carbonic anhydrase 5A; minus strand). Cytogenetic location: 16q24.2.
Variant type: single nucleotide variant.
Coding change: c.686C>T on transcript NM_001739.2 (MANE Select); coding-DNA position 686, C replaced by T.
Protein change: p.Thr229Ile; replaces threonine 229 with isoleucine.
Molecular consequence: missense variant. On other transcripts: non-coding transcript variant (2).
Genome position (GRCh38, 1-based): chr16:87,891,887, G>A on the plus strand (C>T on the coding strand, the complement: CA5A is on the minus strand). VCF-style: chr16-87891887-G-A. GRCh37 (hg19) VCF-style: chr16-87925493-G-A.
Other names: c.686C>T, p.Thr229Ile (NM_001367225.1); short protein forms T229I.
Identifiers: ClinVar variation 3370909 (VCV003370909.1).

ClinVar aggregate classification (germline): Uncertain significance (1 of 4 stars; one submission).

Submission:

GeneDx
Classification: Uncertain significance. Last evaluated: 2024-03-13. Review status: criteria provided, single submitter. Criteria: GeneDx Variant Classification Process June 2021. Collection method: clinical testing. Allele origin: germline. Affected: yes.
Comment: Not observed at significant frequency in large population cohorts (gnomAD); In silico analysis supports that this missense variant has a deleterious effect on protein structure/function; Has not been previously published as pathogenic or benign to our knowledge